The following is an entry in ClinVar:

ClinVar aggregate classification (germline): Pathogenic (0 of 4 stars; one submission).

Conditions:
SATB2-related disorder. Also called: SATB2-related condition.

Submission:

PreventionGenetics, part of Exact Sciences
Classification: Pathogenic for SATB2-related condition. Last evaluated: 2024-02-27. Review status: no assertion criteria provided. Collection method: clinical testing. Allele origin: germline.
Comment: The SATB2 c.1842delG variant is predicted to result in a frameshift and premature protein termination (p.Lys614Asnfs*10). To our knowledge, this variant has not been reported in the literature or in a large population database, indicating this variant is rare. Frameshift variants in SATB2 are expected to be pathogenic. This variant is interpreted as pathogenic.

NM_001172509.2(SATB2):c.1842del (p.Lys614fs)

Genes: SATB2 (SATB homeobox 2; minus strand), LOC126806462 (MED14-independent group 3 enhancer GRCh37_chr2:200136608-200137807; plus strand). Cytogenetic location: 2q33.1.
Variant type: Deletion.
Coding change: c.1842del on transcript NM_001172509.2 (MANE Select); coding-DNA position 1842, one base deleted (G; older notation c.1842delG).
Protein change: p.Lys614fs; shifts the reading frame from lysine 614.
Molecular consequence: frameshift variant.
Genome position (GRCh38, 1-based): chr2:199,272,571, C deleted on the plus strand (G on the coding strand, the reverse complement: SATB2 is on the minus strand). VCF-style (leftmost placement, unchanged base first): chr2-199272570-GC-G. GRCh37 (hg19) VCF-style: chr2-200137293-GC-G.
Other names: c.1842del, p.Lys614fs (NM_001172517.1, NM_015265.4); short protein forms K614fs.
Identifiers: ClinVar variation 3061240 (VCV003061240.2), dbSNP rs2468783579, ClinGen allele CA2740096407.